The following is an entry in ClinVar:

NM_001273.5(CHD4):c.4780-4del

Genes: CHD4 (chromodomain helicase DNA binding protein 4; minus strand), CHD4-AS1 (CHD4 antisense RNA 1; plus strand). Cytogenetic location: 12p13.31.
Variant type: Deletion.
Coding change: c.4780-4del on transcript NM_001273.5 (MANE Select); 4 bases into the intron before coding-DNA position 4780, one base deleted (G; older notation c.4780-4delG).
Molecular consequence: intron variant.
Genome position (GRCh38, 1-based): chr12:6,581,177, C deleted on the plus strand (G on the coding strand, the reverse complement: CHD4 is on the minus strand). VCF-style (leftmost placement, unchanged base first): chr12-6581176-TC-T. GRCh37 (hg19) VCF-style: chr12-6690342-TC-T.
Other names: c.4741-4del (NM_001363606.2); c.4759-4del (NM_001297553.2).
Identifiers: ClinVar variation 3056524 (VCV003056524.2), dbSNP rs1184972850, ClinGen allele CA603484795.

ClinVar aggregate classification (germline): Likely benign (0 of 4 stars; one submission).

Conditions:
CHD4-related disorder. Also called: CHD4-related condition.

Allele frequency attached by ClinVar (database versions not stated): gnomAD exomes below 0.00001; TOPMed 0.00002; gnomAD 0.00003.

Submission:

PreventionGenetics, part of Exact Sciences
Classification: Likely benign for CHD4-related condition. Last evaluated: 2021-10-20. Review status: no assertion criteria provided. Collection method: clinical testing. Allele origin: germline.
Comment: This variant is classified as likely benign based on ACMG/AMP sequence variant interpretation guidelines (Richards et al. 2015 PMID: 25741868, with internal and published modifications).